The following is an entry in ClinVar:

NM_052859.4(RFT1):c.49G>C (p.Gly17Arg)

Genes: RFT1 (RFT1 glycolipid translocator homolog; minus strand), LOC129936883 (ATAC-STARR-seq lymphoblastoid active region 19954; plus strand). Cytogenetic location: 3p21.1.
Variant type: single nucleotide variant.
Coding change: c.49G>C on transcript NM_052859.4 (MANE Select); coding-DNA position 49, G replaced by C.
Protein change: p.Gly17Arg; replaces glycine 17 with arginine.
Molecular consequence: missense variant.
Genome position (GRCh38, 1-based): chr3:53,130,352, C>G on the plus strand (G>C on the coding strand, the complement: RFT1 is on the minus strand). VCF-style: chr3-53130352-C-G. GRCh37 (hg19) VCF-style: chr3-53164368-C-G.
Other names: short protein forms G17R.
Identifiers: ClinVar variation 1902263 (VCV001902263.5), dbSNP rs754000899, ClinGen allele CA353225117.
Genomic context (GRCh38, chr3:53,130,352, plus strand): 5'-GAATCCCGGCTGCAGTACAAGCTGGAACCTGAAGGGCAGAGAGTACCTGCAGGAGGAGAC[C>G]GGAGGAGGCCAGCCGGGCCGCGTGGCCCAGCACCTCCTGGCTGCCCATAGCCTCCGCGCC-3'
Protein context (NP_443091.1, residues 7-27): LGHAARLASS[Gly17Arg]LLLQVLFRLI

ClinVar aggregate classification (germline): Uncertain significance (1 of 4 stars; one submission).

Conditions:
RFT1-congenital disorder of glycosylation (CDG1N). Also called: CDG In; Congenital disorder of glycosylation type In; RFT1-CDG. Identifiers: Orphanet 244310, MedGen C2677590, MONDO:0012783, OMIM 612015.

gnomAD v4.1: 2 of 1,568,896 alleles (0.00013%); no homozygotes.

Submission:

Labcorp Genetics (formerly Invitae), Labcorp
Classification: Uncertain significance for RFT1-congenital disorder of glycosylation. Last evaluated: 2022-01-15. Review status: criteria provided, single submitter. Criteria: Invitae Variant Classification Sherloc (09022015). Collection method: clinical testing. Allele origin: germline.
Comment: In summary, the available evidence is currently insufficient to determine the role of this variant in disease. Therefore, it has been classified as a Variant of Uncertain Significance. Algorithms developed to predict the effect of missense changes on protein structure and function are either unavailable or do not agree on the potential impact of this missense change (SIFT: "Tolerated"; PolyPhen-2: "Possibly Damaging"; Align-GVGD: "Class C0"). This variant has not been reported in the literature in individuals affected with RFT1-related conditions. This variant is not present in population databases (gnomAD no frequency). This sequence change replaces glycine, which is neutral and non-polar, with arginine, which is basic and polar, at codon 17 of the RFT1 protein (p.Gly17Arg).